The following is an entry in ClinVar:

NM_001375524.1(TRRAP):c.9108G>T (p.Ala3036=)

Gene: TRRAP (transformation/transcription domain associated protein; plus strand). Cytogenetic location: 7q22.1.
Variant type: single nucleotide variant.
Coding change: c.9108G>T on transcript NM_001375524.1 (MANE Select); coding-DNA position 9108, G replaced by T.
Protein change: p.Ala3036=; no amino-acid change (alanine 3036 retained).
Molecular consequence: synonymous variant.
Genome position (GRCh38, 1-based): chr7:98,984,178, G>T. VCF-style: chr7-98984178-G-T. GRCh37 (hg19) VCF-style: chr7-98581801-G-T.
Other names: c.9120G>T, p.Ala3040= (NM_001244580.2); c.9033G>T, p.Ala3011= (NM_003496.4).
Identifiers: ClinVar variation 2637554 (VCV002637554.1), dbSNP rs746931138, ClinGen allele CA4361635.

ClinVar aggregate classification (germline): Likely benign (1 of 4 stars; one submission).

gnomAD v4.1: 2 of 1,614,094 alleles (0.00012%); highest among the groups gnomAD compares: Non-Finnish European, 0.00017%; no homozygotes.

Submission:

Women's Health and Genetics/Laboratory Corporation of America, LabCorp
Classification: Likely benign. Last evaluated: 2023-10-30. Review status: criteria provided, single submitter. Criteria: LabCorp Variant Classification Summary - May 2015. Collection method: clinical testing. Allele origin: germline.
Comment: Variant summary: TRRAP c.9033G>T alters a non-conserved nucleotide resulting in a synonymous change. Consensus agreement among computation tools predict no significant impact on normal splicing. However, these predictions have yet to be confirmed by functional studies. The variant allele was found at a frequency of 4e-06 in 251428 control chromosomes. The available data on variant occurrences in the general population are insufficient to allow any conclusion about variant significance. To our knowledge, no occurrence of c.9033G>T in individuals affected with Developmental Delay With Or Without Dysmorphic Facies And Autism and no experimental evidence demonstrating its impact on protein function have been reported. No submitters have cited clinical-significance assessments for this variant to ClinVar after 2014. Based on the evidence outlined above, the variant was classified as likely benign.